The following is an entry in ClinVar:

ClinVar aggregate classification (germline): Conflicting classifications of pathogenicity. Review status: criteria provided, conflicting classifications (1 of 4 stars). 2 submissions from 2 submitters: Uncertain significance (1); Likely benign (1). Last evaluated 2025-05-15.

Conditions:
Cardiomyopathy (CMYO). Also called: Cardiomyopathies. Identifiers: Orphanet 167848, MedGen C0878544, MONDO:0004994, HP:0001638. Inheritance: Various modes of inheritance.
Lethal congenital glycogen storage disease of heart. Also called: GLYCOGEN STORAGE DISEASE OF HEART; PHOSPHORYLASE KINASE DEFICIENCY OF HEART. Identifiers: Orphanet 439854, MedGen C1849813, MONDO:0009867, OMIM 261740.

Allele frequency attached by ClinVar (database versions not stated): gnomAD exomes 0.00001; TOPMed 0.00001; ExAC 0.00003; gnomAD 0.00003; ESP Exome Variant Server 0.00008.

Submissions (2):

Labcorp Genetics (formerly Invitae), Labcorp
Classification: Likely benign for Lethal congenital glycogen storage disease of heart. Last evaluated: 2025-05-15. Review status: criteria provided, single submitter. Criteria: Invitae Variant Classification Sherloc (09022015). Collection method: clinical testing. Allele origin: germline.

Color Diagnostics, LLC DBA Color Health
Classification: Uncertain significance for Cardiomyopathy. Last evaluated: 2024-10-28. Review status: criteria provided, single submitter. Criteria: ACMG Guidelines, 2015. Collection method: clinical testing. Allele origin: germline.
Comment: This missense variant replaces arginine with glutamine at codon 263 of the PRKAG2 protein. Computational prediction suggests that this variant may not impact protein structure and function (internally defined REVEL score threshold <= 0.5, PMID: 27666373). To our knowledge, functional studies have not been reported for this variant. This variant has not been reported in individuals affected with PRKAG2-related disorders in the literature. This variant has been identified in 4/251366 chromosomes in the general population by the Genome Aggregation Database (gnomAD). The available evidence is insufficient to determine the role of this variant in disease conclusively. Therefore, this variant is classified as a Variant of Uncertain Significance.

NM_016203.4(PRKAG2):c.788G>A (p.Arg263Gln)

Gene: PRKAG2 (protein kinase AMP-activated non-catalytic subunit gamma 2; minus strand). Cytogenetic location: 7q36.1.
Variant type: single nucleotide variant.
Coding change: c.788G>A on transcript NM_016203.4 (MANE Select); coding-DNA position 788, G replaced by A.
Protein change: p.Arg263Gln; replaces arginine 263 with glutamine.
Molecular consequence: missense variant.
Genome position (GRCh38, 1-based): chr7:151,595,421, C>T on the plus strand (G>A on the coding strand, the complement: PRKAG2 is on the minus strand). VCF-style: chr7-151595421-C-T. GRCh37 (hg19) VCF-style: chr7-151292507-C-T.
Other names: c.656G>A, p.Arg219Gln (NM_001407024.1, NM_001040633.2); c.653G>A, p.Arg218Gln (NM_001407026.1, NM_001407027.1); c.416G>A, p.Arg139Gln (NM_001407028.1, NM_001363698.2); c.413G>A, p.Arg138Gln (NM_001407029.1, NM_001304527.2); c.500G>A, p.Arg167Gln (NM_001407030.1); c.497G>A, p.Arg166Gln (NM_001407031.1); c.470G>A, p.Arg157Gln (NM_001407032.1); c.464G>A, p.Arg155Gln (NM_001407033.1); and 6 more; short protein forms R139Q, R155Q, R22Q, R42Q, R166Q, R218Q, R21Q, R263Q.
Identifiers: ClinVar variation 2732783 (VCV002732783.4), dbSNP rs368244224, ClinGen allele CA058437.
Genomic context (GRCh38, chr7:151,595,421, plus strand): 5'-AAGACAACAAGCTTTGAACTGGTTGGAACGATGTCATAACACTTGTGTGACCTCATGAAT[C>T]GCATGTAAACACCACTTTCTGAGTCTTCTACTGCTAAAAGAAAAAAAGGCAAAACATCAG-3'
Protein context (NP_057287.2, residues 253-273): VEDSESGVYM[Arg263Gln]FMRSHKCYDI